The following is an entry in ClinVar:

ClinVar aggregate classification (germline): Uncertain significance. Review status: criteria provided, multiple submitters, no conflicts (2 of 4 stars). 2 submissions from 2 submitters: Uncertain significance (2). Last evaluated 2023-12-18.

Conditions:
Combined oxidative phosphorylation defect type 27. Also called: Combined oxidative phosphorylation deficiency 27. Identifiers: Orphanet 477774, MedGen C5567608, MONDO:0014728, OMIM 616672.

Allele frequency attached by ClinVar (database versions not stated): gnomAD 0.00001.
gnomAD v4.1: 40 of 1,612,658 alleles (0.0025%); highest among the groups gnomAD compares: East Asian, 0.0045%; no homozygotes.

Submissions (2):

Mayo Clinic Laboratories, Mayo Clinic
Classification: Uncertain significance. Last evaluated: 2023-12-18. Review status: criteria provided, single submitter. Criteria: ACMG Guidelines, 2015. Collection method: clinical testing. Allele origin: germline. Observed: 1 variant allele.
Comment: PM2_moderate

Labcorp Genetics (formerly Invitae), Labcorp
Classification: Uncertain significance for Combined oxidative phosphorylation defect type 27. Last evaluated: 2023-12-05. Review status: criteria provided, single submitter. Criteria: Invitae Variant Classification Sherloc (09022015). Collection method: clinical testing. Allele origin: germline.
Comment: This sequence change replaces arginine, which is basic and polar, with cysteine, which is neutral and slightly polar, at codon 350 of the CARS2 protein (p.Arg350Cys). The frequency data for this variant in the population databases is considered unreliable, as metrics indicate poor data quality at this position in the gnomAD database. This variant has not been reported in the literature in individuals affected with CARS2-related conditions. ClinVar contains an entry for this variant (Variation ID: 1495983). Advanced modeling of protein sequence and biophysical properties (such as structural, functional, and spatial information, amino acid conservation, physicochemical variation, residue mobility, and thermodynamic stability) performed at Invitae indicates that this missense variant is not expected to disrupt CARS2 protein function with a negative predictive value of 80%. In summary, the available evidence is currently insufficient to determine the role of this variant in disease. Therefore, it has been classified as a Variant of Uncertain Significance.

NM_024537.4(CARS2):c.1048C>T (p.Arg350Cys)

Gene: CARS2 (cysteinyl-tRNA synthetase 2, mitochondrial; minus strand). Cytogenetic location: 13q34.
Variant type: single nucleotide variant.
Coding change: c.1048C>T on transcript NM_024537.4 (MANE Select); coding-DNA position 1048, C replaced by T.
Protein change: p.Arg350Cys; replaces arginine 350 with cysteine.
Molecular consequence: missense variant. On other transcripts: non-coding transcript variant (2).
Genome position (GRCh38, 1-based): chr13:110,651,040, G>A on the plus strand (C>T on the coding strand, the complement: CARS2 is on the minus strand). VCF-style: chr13-110651040-G-A. GRCh37 (hg19) VCF-style: chr13-111303387-G-A.
Other names: p.Arg350Cys; c.262C>T, p.Arg88Cys (NM_001352252.2); short protein forms R88C, R350C.
Identifiers: ClinVar variation 1495983 (VCV001495983.8), dbSNP rs773231493, ClinGen allele CA388744988.